The following is an entry in ClinVar:

ClinVar aggregate classification (germline): Likely pathogenic (1 of 4 stars; one submission).

Conditions:
Seizures, benign familial infantile, 3 (BFIS3). Also called: Familial neonatal seizures; CONVULSIONS, BENIGN FAMILIAL INFANTILE, 3. Identifiers: Orphanet 140927, Orphanet 306, MedGen C1843140, MONDO:0011904, OMIM 607745.
Developmental and epileptic encephalopathy, 11 (DEE11). Also called: Early infantile epileptic encephalopathy 11. Identifiers: Orphanet 1934, MedGen C3150987, MONDO:0013388, OMIM 613721.

Submission:

Labcorp Genetics (formerly Invitae), Labcorp
Classification: Likely pathogenic for Seizures, benign familial infantile, 3; Developmental and epileptic encephalopathy, 11. Last evaluated: 2023-06-11. Review status: criteria provided, single submitter. Criteria: Invitae Variant Classification Sherloc (09022015). Collection method: clinical testing. Allele origin: germline.
Comment: This sequence change replaces valine, which is neutral and non-polar, with alanine, which is neutral and non-polar, at codon 1627 of the SCN2A protein (p.Val1627Ala). This variant is not present in population databases (gnomAD no frequency). This variant has not been reported in the literature in individuals affected with SCN2A-related conditions. ClinVar contains an entry for this variant (Variation ID: 837982). Advanced modeling of protein sequence and biophysical properties (such as structural, functional, and spatial information, amino acid conservation, physicochemical variation, residue mobility, and thermodynamic stability) performed at Invitae indicates that this missense variant is expected to disrupt SCN2A protein function. This variant disrupts the p.Val1627 amino acid residue in SCN2A. Other variant(s) that disrupt this residue have been determined to be pathogenic (PMID: 28379373; Invitae). This suggests that this residue is clinically significant, and that variants that disrupt this residue are likely to be disease-causing. In summary, the currently available evidence indicates that the variant is pathogenic, but additional data are needed to prove that conclusively. Therefore, this variant has been classified as Likely Pathogenic.

Literature cited by the submitters: PubMed 28379373.

NM_001040142.2(SCN2A):c.4880T>C (p.Val1627Ala)

Gene: SCN2A (sodium voltage-gated channel alpha subunit 2; plus strand). Cytogenetic location: 2q24.3.
Variant type: single nucleotide variant.
Coding change: c.4880T>C on transcript NM_001040142.2 (MANE Select); coding-DNA position 4880, T replaced by C.
Protein change: p.Val1627Ala; replaces valine 1627 with alanine.
Molecular consequence: missense variant.
Genome position (GRCh38, 1-based): chr2:165,388,686, T>C. VCF-style: chr2-165388686-T-C. GRCh37 (hg19) VCF-style: chr2-166245196-T-C.
Other names: c.4880T>C, p.Val1627Ala (NM_001040143.2, NM_001371246.1, NM_001371247.1 and 1 more transcripts); short protein forms V1627A.
Identifiers: ClinVar variation 837982 (VCV000837982.10), dbSNP rs1702003246, ClinGen allele CA349037688.